The following is an entry in ClinVar:

NM_017763.6(RNF43):c.1082C>G (p.Pro361Arg)

Gene: RNF43 (ring finger protein 43; minus strand). Cytogenetic location: 17q22.
Variant type: single nucleotide variant.
Coding change: c.1082C>G on transcript NM_017763.6 (MANE Select); coding-DNA position 1082, C replaced by G.
Protein change: p.Pro361Arg; replaces proline 361 with arginine.
Molecular consequence: missense variant.
Genome position (GRCh38, 1-based): chr17:58,358,694, G>C on the plus strand (C>G on the coding strand, the complement: RNF43 is on the minus strand). VCF-style: chr17-58358694-G-C. GRCh37 (hg19) VCF-style: chr17-56436055-G-C.
Other names: c.1082C>G, p.Pro361Arg (NM_001305544.3, NM_001438820.1, NM_001438821.1 and 1 more transcripts); c.701C>G, p.Pro234Arg (NM_001305545.2, NM_001437987.1); short protein forms P234R, P361R.
Identifiers: ClinVar variation 4844783 (VCV004844783.1).

ClinVar aggregate classification (germline): Uncertain significance (1 of 4 stars; one submission).

Submission:

Ambry Genetics
Classification: Uncertain significance. Last evaluated: 2026-02-17. Review status: criteria provided, single submitter. Criteria: Ambry Variant Classification Scheme 2023. Collection method: clinical testing. Allele origin: germline.
Comment: The p.P361R variant (also known as c.1082C>G), located in coding exon 8 of the RNF43 gene, results from a C to G substitution at nucleotide position 1082. The proline at codon 361 is replaced by arginine, an amino acid with dissimilar properties. This amino acid position is conserved. In addition, this alteration is predicted to be tolerated by in silico analysis. Based on the available evidence, the clinical significance of this variant remains unclear.